The following is an entry in ClinVar:

NM_003477.3(PDHX):c.1436A>G (p.Asp479Gly)

Gene: PDHX (pyruvate dehydrogenase complex component X; plus strand). Cytogenetic location: 11p13.
Variant type: single nucleotide variant.
Coding change: c.1436A>G on transcript NM_003477.3 (MANE Select); coding-DNA position 1436, A replaced by G.
Protein change: p.Asp479Gly; replaces aspartic acid 479 with glycine.
Molecular consequence: missense variant.
Genome position (GRCh38, 1-based): chr11:34,995,102, A>G. VCF-style: chr11-34995102-A-G. GRCh37 (hg19) VCF-style: chr11-35016649-A-G.
Other names: c.1256A>G, p.Asp419Gly (NM_001135024.2); c.755A>G, p.Asp252Gly (NM_001166158.2); short protein forms D419G, D252G, D479G.
Identifiers: ClinVar variation 2097874 (VCV002097874.4), dbSNP rs2494784369, ClinGen allele CA380127147.

ClinVar aggregate classification (germline): Uncertain significance (1 of 4 stars; one submission).

Submission:

Labcorp Genetics (formerly Invitae), Labcorp
Classification: Uncertain significance. Last evaluated: 2022-03-04. Review status: criteria provided, single submitter. Criteria: Invitae Variant Classification Sherloc (09022015). Collection method: clinical testing. Allele origin: germline.
Comment: In summary, the available evidence is currently insufficient to determine the role of this variant in disease. Therefore, it has been classified as a Variant of Uncertain Significance. Algorithms developed to predict the effect of missense changes on protein structure and function are either unavailable or do not agree on the potential impact of this missense change (SIFT: "Deleterious"; PolyPhen-2: "Benign"; Align-GVGD: "Class C65"). This variant has not been reported in the literature in individuals affected with PDHX-related conditions. This variant is not present in population databases (gnomAD no frequency). This sequence change replaces aspartic acid, which is acidic and polar, with glycine, which is neutral and non-polar, at codon 479 of the PDHX protein (p.Asp479Gly).